The following is an entry in ClinVar:

NM_000059.4(BRCA2):c.9548T>C (p.Ile3183Thr)

Gene: BRCA2 (BRCA2 DNA repair associated; plus strand). Cytogenetic location: 13q13.1.
Variant type: single nucleotide variant.
Coding change: c.9548T>C on transcript NM_000059.4 (MANE Select); coding-DNA position 9548, T replaced by C.
Protein change: p.Ile3183Thr; replaces isoleucine 3183 with threonine.
Molecular consequence: missense variant.
Genome position (GRCh38, 1-based): chr13:32,396,944, T>C. VCF-style: chr13-32396944-T-C. GRCh37 (hg19) VCF-style: chr13-32971081-T-C.
Other names: short protein forms I3183T.
Identifiers: ClinVar variation 531387 (VCV000531387.22), dbSNP rs755201475, ClinGen allele CA6941411.

ClinVar aggregate classification (germline): Conflicting classifications of pathogenicity. Review status: criteria provided, conflicting classifications (1 of 4 stars). 7 submissions from 7 submitters: Uncertain significance (5); Likely benign (1). 1 of the submissions does not count toward it. Last evaluated 2025-08-09.

Conditions:
Breast-ovarian cancer, familial, susceptibility to, 2 (BROVCA2). Also called: BRCA2 Hereditary Breast and Ovarian Cancer. Identifiers: Orphanet 145, MedGen C2675520, MONDO:0012933, OMIM 612555. Disease mechanism: loss of function.
Hereditary breast ovarian cancer syndrome. Also called: Hereditary breast and ovarian cancer syndrome; Hereditary breast and ovarian cancer syndrome (HBOC); BRCA1- and BRCA2-Associated Hereditary Breast and Ovarian Cancer; Hereditary breast and ovarian cancer; Breast and ovarian cancer; Hereditary breast and/or ovarian cancer syndrome. Identifiers: Orphanet 145, MedGen C0677776, MeSH D061325, MONDO:0003582. Disease mechanism: loss of function.
BRCA2-related cancer predisposition. Identifiers: MedGen CN377758, MONDO:0700269.
Breast and/or ovarian cancer. Identifiers: MedGen CN221562.
Hereditary cancer-predisposing syndrome. Also called: Neoplastic Syndromes, Hereditary; Hereditary neoplastic syndrome; Tumor predisposition; Hereditary Cancer Syndrome. Identifiers: Orphanet 140162, MedGen C0027672, MeSH D009386, MONDO:0015356.

Allele frequency attached by ClinVar (database versions not stated): gnomAD 0.00001; gnomAD exomes 0.00001 and 0.00002; ExAC 0.00002.
gnomAD v4.1: 10 of 1,614,012 alleles (0.00062%); highest among the groups gnomAD compares: South Asian, 0.011%; no homozygotes.

Submissions (7):

Color Diagnostics, LLC DBA Color Health
Classification: Uncertain significance for Hereditary cancer-predisposing syndrome. Last evaluated: 2025-08-09. Review status: criteria provided, single submitter. Criteria: ACMG Guidelines, 2015. Collection method: clinical testing. Allele origin: germline.
Comment: This missense variant replaces isoleucine with threonine at codon 3183 of the BRCA2 protein. Computational prediction suggests that this variant may not impact protein structure and function. Functional studies have reported that this variant does not impact BRCA2 in a haploid cell proliferation assay and in sensitivity assays to cisplatin and PARP inhibitor (PMID: 39779848, 39779857). To our knowledge, this variant has not been reported in individuals affected with BRCA2-related disorders in the literature. This variant has been identified in 6/251382 chromosomes in the general population by the Genome Aggregation Database (gnomAD). The available evidence is insufficient to determine the role of this variant in disease conclusively. Therefore, this variant is classified as a Variant of Uncertain Significance.

Ambry Genetics
Classification: Likely benign for Hereditary cancer-predisposing syndrome. Last evaluated: 2025-05-16. Review status: criteria provided, single submitter. Criteria: Ambry Variant Classification Scheme 2023. Collection method: clinical testing. Allele origin: germline.

Labcorp Genetics (formerly Invitae), Labcorp
Classification: Uncertain significance for Hereditary breast ovarian cancer syndrome. Last evaluated: 2024-12-24. Review status: criteria provided, single submitter. Criteria: Invitae Variant Classification Sherloc (09022015). Collection method: clinical testing. Allele origin: germline.
Comment: This sequence change replaces isoleucine, which is neutral and non-polar, with threonine, which is neutral and polar, at codon 3183 of the BRCA2 protein (p.Ile3183Thr). This variant is present in population databases (rs755201475, gnomAD 0.02%). This variant has not been reported in the literature in individuals affected with BRCA2-related conditions. ClinVar contains an entry for this variant (Variation ID: 531387). Invitae Evidence Modeling of protein sequence and biophysical properties (such as structural, functional, and spatial information, amino acid conservation, physicochemical variation, residue mobility, and thermodynamic stability) indicates that this missense variant is not expected to disrupt BRCA2 protein function with a negative predictive value of 95%. In summary, the available evidence is currently insufficient to determine the role of this variant in disease. Therefore, it has been classified as a Variant of Uncertain Significance.

Department of Pathology and Laboratory Medicine, Sinai Health System
Classification: Uncertain significance for BRCA2-related cancer predisposition. Last evaluated: 2023-09-29. Review status: criteria provided, single submitter. Criteria: ACMG Guidelines, 2015. Collection method: clinical testing. Allele origin: germline. Affected: no.

Women's Health and Genetics/Laboratory Corporation of America, LabCorp
Classification: Uncertain significance. Last evaluated: 2019-08-02. Review status: criteria provided, single submitter. Criteria: LabCorp Variant Classification Summary - May 2015. Collection method: clinical testing. Allele origin: germline.
Comment: Variant summary: BRCA2 c.9548T>C (p.Ile3183Thr) results in a non-conservative amino acid change located in the BRCA2, OB3 domain (IPR015188) of the encoded protein sequence. Four of five in-silico tools predict a benign effect of the variant on protein function. The variant allele was found at a frequency of 2.4e-05 in 251382 control chromosomes (gnomAD). The available data on variant occurrences in the general population are insufficient to allow any conclusion about variant significance. To our knowledge, no occurrence of c.9548T>C in individuals affected with Hereditary Breast and Ovarian Cancer and no experimental evidence demonstrating its impact on protein function have been reported. Two ClinVar submissions from other clinical diagnostic laboratories (evaluation after 2014) cite the variant as uncertain significance. Based on the evidence outlined above, the variant was classified as uncertain significance.

Neuberg Centre For Genomic Medicine, NCGM
Classification: Uncertain significance for Breast-ovarian cancer, familial, susceptibility to, 2. Review status: criteria provided, single submitter. Criteria: ACMG Guidelines, 2015. Collection method: clinical testing. Allele origin: germline. Affected: yes.
Comment: The missense variant p.I3183T in BRCA2 (NM_000059.4) has not been reported previously as a pathogenic variant nor as a benign variant, to our knowledge. The p.I3183T missense variant is predicted to be damaging by both SIFT and PolyPhen2. The nucleotide c.9548 in BRCA2 is predicted conserved by GERP++ and PhyloP across 100 vertebrates. For these reasons, this variant has been classified as Uncertain Significance.

Foulkes Cancer Genetics LDI, Lady Davis Institute for Medical Research
Classification: Uncertain significance for Breast and/or ovarian cancer. Last evaluated: 2013-12-17. Review status: no assertion criteria provided. Collection method: clinical testing. Allele origin: germline. Study: The Canadian Open Genetics Repository (COGR). Not counted in ClinVar's aggregate classification.

Literature cited by the submitters: PubMed 39779848 (cited by Color Diagnostics, LLC DBA Color Health); PubMed 39779857 (cited by Color Diagnostics, LLC DBA Color Health).